The following is an entry in ClinVar:

ClinVar aggregate classification (germline): Uncertain significance. Review status: criteria provided, multiple submitters, no conflicts (2 of 4 stars). 2 submissions from 2 submitters: Uncertain significance (2). Last evaluated 2025-01-26.

Conditions:
Inborn genetic diseases. Identifiers: MedGen C0950123, MeSH D030342.

Allele frequency attached by ClinVar (database versions not stated): TOPMed below 0.00001; ExAC 0.00001.
gnomAD v4.1: 2 of 1,612,778 alleles (0.00012%); highest among the groups gnomAD compares: Admixed American, 0.0017%; no homozygotes.

Submissions (2):

Ambry Genetics
Classification: Uncertain significance for Inborn genetic diseases. Last evaluated: 2025-01-26. Review status: criteria provided, single submitter. Criteria: Ambry Variant Classification Scheme 2023. Collection method: clinical testing. Allele origin: germline.

Labcorp Genetics (formerly Invitae), Labcorp
Classification: Uncertain significance. Last evaluated: 2024-07-25. Review status: criteria provided, single submitter. Criteria: Invitae Variant Classification Sherloc (09022015). Collection method: clinical testing. Allele origin: germline.
Comment: This sequence change replaces alanine, which is neutral and non-polar, with valine, which is neutral and non-polar, at codon 299 of the CSF1R protein (p.Ala299Val). This variant is present in population databases (rs781314536, gnomAD 0.003%). This variant has not been reported in the literature in individuals affected with CSF1R-related conditions. Advanced modeling of protein sequence and biophysical properties (such as structural, functional, and spatial information, amino acid conservation, physicochemical variation, residue mobility, and thermodynamic stability) performed at Invitae indicates that this missense variant is not expected to disrupt CSF1R protein function with a negative predictive value of 95%. In summary, the available evidence is currently insufficient to determine the role of this variant in disease. Therefore, it has been classified as a Variant of Uncertain Significance.

NM_001288705.3(CSF1R):c.896C>T (p.Ala299Val)

Gene: CSF1R (colony stimulating factor 1 receptor; minus strand). Cytogenetic location: 5q32.
Variant type: single nucleotide variant.
Coding change: c.896C>T on transcript NM_001288705.3 (MANE Select); coding-DNA position 896, C replaced by T.
Protein change: p.Ala299Val; replaces alanine 299 with valine.
Molecular consequence: missense variant. On other transcripts: non-coding transcript variant (2).
Genome position (GRCh38, 1-based): chr5:150,073,487, G>A on the plus strand (C>T on the coding strand, the complement: CSF1R is on the minus strand). VCF-style: chr5-150073487-G-A. GRCh37 (hg19) VCF-style: chr5-149453050-G-A.
Other names: c.896C>T, p.Ala299Val (NM_001349736.2, NM_001375320.1, NM_005211.4); c.452C>T, p.Ala151Val (NM_001375321.1); c.896C>T (NM_005211.3); short protein forms A299V, A151V.
Identifiers: ClinVar variation 3005076 (VCV003005076.4), dbSNP rs781314536, ClinGen allele CA3506991.